The following is an entry in ClinVar:

ClinVar aggregate classification (germline): Uncertain significance. Review status: criteria provided, multiple submitters, no conflicts (2 of 4 stars). 3 submissions from 3 submitters: Uncertain significance (3). Last evaluated 2026-08-31.

Conditions:
Hereditary nonpolyposis colorectal neoplasms. Identifiers: MedGen C0009405, MeSH D003123.
Hereditary cancer-predisposing syndrome. Also called: Neoplastic Syndromes, Hereditary; Hereditary neoplastic syndrome; Hereditary Cancer Syndrome; Tumor predisposition. Identifiers: Orphanet 140162, MedGen C0027672, MeSH D009386, MONDO:0015356.

Allele frequency attached by ClinVar (database versions not stated): gnomAD exomes below 0.00001.
gnomAD v4.1: 5 of 1,613,902 alleles (0.00031%); highest among the groups gnomAD compares: South Asian, 0.0011%; no homozygotes.

Submissions (3):

Ambry Genetics
Classification: Uncertain significance for Hereditary cancer-predisposing syndrome. Last evaluated: 2026-08-31. Review status: criteria provided, single submitter. Criteria: Ambry Variant Classification Scheme 2023. Collection method: clinical testing. Allele origin: germline.
Comment: The p.L441F variant (also known as c.1321C>T), located in coding exon 4 of the MSH6 gene, results from a C to T substitution at nucleotide position 1321. The leucine at codon 441 is replaced by phenylalanine, an amino acid with highly similar properties. This amino acid position is not well conserved in available vertebrate species. In addition, the in silico prediction for this alteration is inconclusive. Based on the available evidence, the clinical significance of this variant remains unclear.

Color Diagnostics, LLC DBA Color Health
Classification: Uncertain significance for Hereditary cancer-predisposing syndrome. Last evaluated: 2023-12-07. Review status: criteria provided, single submitter. Criteria: ACMG Guidelines, 2015. Collection method: clinical testing. Allele origin: germline.
Comment: This missense variant replaces leucine with phenylalanine at codon 441 of the MSH6 protein. Computational prediction suggests that this variant may not impact protein structure and function (internally defined REVEL score threshold <= 0.5, PMID: 27666373). To our knowledge, functional studies have not been reported for this variant. This variant has not been reported in individuals affected with MSH6-related disorders in the literature. This variant has not been identified in the general population by the Genome Aggregation Database (gnomAD). The available evidence is insufficient to determine the role of this variant in disease conclusively. Therefore, this variant is classified as a Variant of Uncertain Significance.

Labcorp Genetics (formerly Invitae), Labcorp
Classification: Uncertain significance for Hereditary nonpolyposis colorectal neoplasms. Last evaluated: 2023-11-17. Review status: criteria provided, single submitter. Criteria: Invitae Variant Classification Sherloc (09022015). Collection method: clinical testing. Allele origin: germline.
Comment: This sequence change replaces leucine, which is neutral and non-polar, with phenylalanine, which is neutral and non-polar, at codon 441 of the MSH6 protein (p.Leu441Phe). This variant is not present in population databases (gnomAD no frequency). This variant has not been reported in the literature in individuals affected with MSH6-related conditions. ClinVar contains an entry for this variant (Variation ID: 489962). Advanced modeling of protein sequence and biophysical properties (such as structural, functional, and spatial information, amino acid conservation, physicochemical variation, residue mobility, and thermodynamic stability) performed at Invitae indicates that this missense variant is not expected to disrupt MSH6 protein function with a negative predictive value of 95%. In summary, the available evidence is currently insufficient to determine the role of this variant in disease. Therefore, it has been classified as a Variant of Uncertain Significance.

NM_000179.3(MSH6):c.1321C>T (p.Leu441Phe)

Gene: MSH6 (mutS homolog 6; plus strand). Cytogenetic location: 2p16.3.
Variant type: single nucleotide variant.
Coding change: c.1321C>T on transcript NM_000179.3 (MANE Select); coding-DNA position 1321, C replaced by T.
Protein change: p.Leu441Phe; replaces leucine 441 with phenylalanine.
Molecular consequence: missense variant.
Genome position (GRCh38, 1-based): chr2:47,799,304, C>T. VCF-style: chr2-47799304-C-T. GRCh37 (hg19) VCF-style: chr2-48026443-C-T.
Other names: c.931C>T, p.Leu311Phe (NM_001281492.2); c.415C>T, p.Leu139Phe (NM_001281493.2, NM_001281494.2); short protein forms L441F, L311F, L139F.
Identifiers: ClinVar variation 489962 (VCV000489962.17), dbSNP rs1553412749, ClinGen allele CA346744442.